The following is an entry in ClinVar:

NM_144499.3(GNAT1):c.482C>T (p.Pro161Leu)

Gene: GNAT1 (G protein subunit alpha transducin 1; plus strand). Cytogenetic location: 3p21.31.
Variant type: single nucleotide variant.
Coding change: c.482C>T on transcript NM_144499.3 (MANE Select); coding-DNA position 482, C replaced by T.
Protein change: p.Pro161Leu; replaces proline 161 with leucine.
Molecular consequence: missense variant.
Genome position (GRCh38, 1-based): chr3:50,193,785, C>T. VCF-style: chr3-50193785-C-T. GRCh37 (hg19) VCF-style: chr3-50231218-C-T.
Other names: c.482C>T, p.Pro161Leu (NM_000172.4); short protein forms P161L.
Identifiers: ClinVar variation 1943482 (VCV001943482.5), dbSNP rs1699458313, ClinGen allele CA352916180.

ClinVar aggregate classification (germline): Uncertain significance (1 of 4 stars; one submission).

Allele frequency attached by ClinVar (database versions not stated): gnomAD exomes below 0.00001; TOPMed 0.00001.
gnomAD v4.1: 1 of 1,612,684 alleles (0.000062%); highest among the groups gnomAD compares: African/African-American, 0.0013%; no homozygotes.

Submission:

Labcorp Genetics (formerly Invitae), Labcorp
Classification: Uncertain significance. Last evaluated: 2024-02-22. Review status: criteria provided, single submitter. Criteria: Invitae Variant Classification Sherloc (09022015). Collection method: clinical testing. Allele origin: germline.
Comment: This sequence change replaces proline, which is neutral and non-polar, with leucine, which is neutral and non-polar, at codon 161 of the GNAT1 protein (p.Pro161Leu). This variant is not present in population databases (gnomAD no frequency). This variant has not been reported in the literature in individuals affected with GNAT1-related conditions. ClinVar contains an entry for this variant (Variation ID: 1943482). Advanced modeling of protein sequence and biophysical properties (such as structural, functional, and spatial information, amino acid conservation, physicochemical variation, residue mobility, and thermodynamic stability) performed at Invitae indicates that this missense variant is not expected to disrupt GNAT1 protein function with a negative predictive value of 80%. In summary, the available evidence is currently insufficient to determine the role of this variant in disease. Therefore, it has been classified as a Variant of Uncertain Significance.